The following is an entry in ClinVar:

ClinVar aggregate classification (germline): Pathogenic (1 of 4 stars; one submission).

Allele frequency attached by ClinVar (database versions not stated): gnomAD exomes below 0.00001.

Submission:

Labcorp Genetics (formerly Invitae), Labcorp
Classification: Pathogenic. Last evaluated: 2023-06-24. Review status: criteria provided, single submitter. Criteria: Invitae Variant Classification Sherloc (09022015). Collection method: clinical testing. Allele origin: germline.
Comment: For these reasons, this variant has been classified as Pathogenic. This variant disrupts a region of the GPR143 protein in which other variant(s) (p.Gly84Asp) have been determined to be pathogenic (PMID: 8634705, 11115845, 12868035, 31574285). This suggests that this is a clinically significant region of the protein, and that variants that disrupt it are likely to be disease-causing. Disruption of the initiator codon has been observed in individuals with clinical features of ocular albinism (PMID: 31106028, 34132631; Invitae). This variant is not present in population databases (gnomAD no frequency). This sequence change affects the initiator methionine of the GPR143 mRNA. The next in-frame methionine is located at codon 85.

Literature cited by the submitters: PubMed 8634705; PubMed 11115845; PubMed 12868035; PubMed 31574285; PubMed 31106028; PubMed 34132631.

NM_000273.3(GPR143):c.3G>A (p.Met1Ile)

Gene: GPR143 (G protein-coupled receptor 143; minus strand). Cytogenetic location: Xp22.2.
Variant type: single nucleotide variant.
Coding change: c.3G>A on transcript NM_000273.3 (MANE Select); coding-DNA position 3, G replaced by A.
Protein change: p.Met1Ile; changes the start codon (methionine 1).
Molecular consequence: missense variant, initiator codon variant.
Genome position (GRCh38, 1-based): chrX:9,765,815, C>T on the plus strand (G>A on the coding strand, the complement: GPR143 is on the minus strand). VCF-style: chrX-9765815-C-T. GRCh37 (hg19) VCF-style: chrX-9733855-C-T.
Other names: short protein forms M1I.
Identifiers: ClinVar variation 2727246 (VCV002727246.3), dbSNP rs2518642504, ClinGen allele CA412001090.